The following is an entry in ClinVar:

NM_020964.3(EPG5):c.3427G>A (p.Val1143Ile)

Gene: EPG5 (ectopic P-granules 5 autophagy tethering factor; minus strand). Cytogenetic location: 18q21.1.
Variant type: single nucleotide variant.
Coding change: c.3427G>A on transcript NM_020964.3 (MANE Select); coding-DNA position 3427, G replaced by A.
Protein change: p.Val1143Ile; replaces valine 1143 with isoleucine.
Molecular consequence: missense variant.
Genome position (GRCh38, 1-based): chr18:45,916,164, C>T on the plus strand (G>A on the coding strand, the complement: EPG5 is on the minus strand). VCF-style: chr18-45916164-C-T. GRCh37 (hg19) VCF-style: chr18-43496129-C-T.
Other names: c.3427G>A, p.Val1143Ile (LRG_1234t1); short protein forms V1143I.
Identifiers: ClinVar variation 640734 (VCV000640734.8), dbSNP rs771510931, ClinGen allele CA8949167.

ClinVar aggregate classification (germline): Uncertain significance. Review status: criteria provided, multiple submitters, no conflicts (2 of 4 stars). 2 submissions from 2 submitters: Uncertain significance (2). Last evaluated 2024-08-05.

Conditions:
Inborn genetic diseases. Identifiers: MedGen C0950123, MeSH D030342.
Vici syndrome (VICIS). Identifiers: Orphanet 1493, MedGen C1855772, MONDO:0009452, OMIM 242840.

Allele frequency attached by ClinVar (database versions not stated): ExAC 0.00001; gnomAD 0.00001; TOPMed 0.00002.
gnomAD v4.1: 60 of 1,613,880 alleles (0.0037%); highest among the groups gnomAD compares: East Asian, 0.0067%; no homozygotes.

Submissions (2):

Ambry Genetics
Classification: Uncertain significance for Inborn genetic diseases. Last evaluated: 2024-08-05. Review status: criteria provided, single submitter. Criteria: Ambry Variant Classification Scheme 2023. Collection method: clinical testing. Allele origin: germline.

Labcorp Genetics (formerly Invitae), Labcorp
Classification: Uncertain significance for Vici syndrome. Last evaluated: 2022-09-01. Review status: criteria provided, single submitter. Criteria: Invitae Variant Classification Sherloc (09022015). Collection method: clinical testing. Allele origin: germline.
Comment: This sequence change replaces valine, which is neutral and non-polar, with isoleucine, which is neutral and non-polar, at codon 1143 of the EPG5 protein (p.Val1143Ile). This variant is present in population databases (rs771510931, gnomAD 0.006%). This variant has not been reported in the literature in individuals affected with EPG5-related conditions. ClinVar contains an entry for this variant (Variation ID: 640734). Algorithms developed to predict the effect of missense changes on protein structure and function output the following: SIFT: "Tolerated"; PolyPhen-2: "Possibly Damaging"; Align-GVGD: "Class C0". The isoleucine amino acid residue is found in multiple mammalian species, which suggests that this missense change does not adversely affect protein function. In summary, the available evidence is currently insufficient to determine the role of this variant in disease. Therefore, it has been classified as a Variant of Uncertain Significance.